The following is an entry in ClinVar:

NM_018489.3(ASH1L):c.4550A>G (p.Tyr1517Cys)

Gene: ASH1L (ASH1 like histone lysine methyltransferase; minus strand). Cytogenetic location: 1q22.
Variant type: single nucleotide variant.
Coding change: c.4550A>G on transcript NM_018489.3 (MANE Select); coding-DNA position 4550, A replaced by G.
Protein change: p.Tyr1517Cys; replaces tyrosine 1517 with cysteine.
Molecular consequence: missense variant.
Genome position (GRCh38, 1-based): chr1:155,478,320, T>C on the plus strand (A>G on the coding strand, the complement: ASH1L is on the minus strand). VCF-style: chr1-155478320-T-C. GRCh37 (hg19) VCF-style: chr1-155448111-T-C.
Other names: c.4550A>G, p.Tyr1517Cys (NM_001366177.2); short protein forms Y1517C.
Identifiers: ClinVar variation 3907906 (VCV003907906.1).

ClinVar aggregate classification (germline): Uncertain significance (1 of 4 stars; one submission).

Submission:

GeneDx
Classification: Uncertain significance. Last evaluated: 2024-12-22. Review status: criteria provided, single submitter. Criteria: GeneDx Variant Classification Process June 2021. Collection method: clinical testing. Allele origin: germline. Affected: yes.
Comment: Not observed at significant frequency in large population cohorts (gnomAD); In silico analysis indicates that this missense variant does not alter protein structure/function; Has not been previously published as pathogenic or benign to our knowledge